The following is an entry in ClinVar:

NM_014003.4(DHX38):c.476C>T (p.Ser159Leu)

Gene: DHX38 (DEAH-box helicase 38; plus strand). Cytogenetic location: 16q22.2.
Variant type: single nucleotide variant.
Coding change: c.476C>T on transcript NM_014003.4 (MANE Select); coding-DNA position 476, C replaced by T.
Protein change: p.Ser159Leu; replaces serine 159 with leucine.
Molecular consequence: missense variant.
Genome position (GRCh38, 1-based): chr16:72,096,974, C>T. VCF-style: chr16-72096974-C-T. GRCh37 (hg19) VCF-style: chr16-72130873-C-T.
Other names: short protein forms S159L.
Identifiers: ClinVar variation 1431530 (VCV001431530.8), dbSNP rs368707127, ClinGen allele CA8159973.

ClinVar aggregate classification (germline): Uncertain significance (1 of 4 stars; one submission).

Allele frequency attached by ClinVar (database versions not stated): TOPMed below 0.00001; ExAC 0.00001; gnomAD 0.00001; ESP Exome Variant Server 0.00008.

Submission:

Labcorp Genetics (formerly Invitae), Labcorp
Classification: Uncertain significance. Last evaluated: 2025-07-07. Review status: criteria provided, single submitter. Criteria: Invitae Variant Classification Sherloc (09022015). Collection method: clinical testing. Allele origin: germline.
Comment: This sequence change replaces serine, which is neutral and polar, with leucine, which is neutral and non-polar, at codon 159 of the DHX38 protein (p.Ser159Leu). This variant is present in population databases (rs368707127, gnomAD 0.003%). This variant has not been reported in the literature in individuals affected with DHX38-related conditions. ClinVar contains an entry for this variant (Variation ID: 1431530). An algorithm developed to predict the effect of missense changes on protein structure and function (PolyPhen-2) suggests that this variant is likely to be tolerated. In summary, the available evidence is currently insufficient to determine the role of this variant in disease. Therefore, it has been classified as a Variant of Uncertain Significance.